The following is an entry in ClinVar:

NM_004369.4(COL6A3):c.581A>G (p.Asn194Ser)

Gene: COL6A3 (collagen type VI alpha 3 chain; minus strand). Cytogenetic location: 2q37.3.
Variant type: single nucleotide variant.
Coding change: c.581A>G on transcript NM_004369.4 (MANE Select); coding-DNA position 581, A replaced by G.
Protein change: p.Asn194Ser; replaces asparagine 194 with serine.
Molecular consequence: missense variant. On other transcripts: intron variant (4).
Genome position (GRCh38, 1-based): chr2:237,394,715, T>C on the plus strand (A>G on the coding strand, the complement: COL6A3 is on the minus strand). VCF-style: chr2-237394715-T-C. GRCh37 (hg19) VCF-style: chr2-238303358-T-C.
Other names: c.91+2012A>G (NM_057166.5, NM_057167.4, NM_057164.5 and 1 more transcripts); short protein forms N194S.
Identifiers: ClinVar variation 570053 (VCV000570053.9), dbSNP rs771489087, ClinGen allele CA2189833.

ClinVar aggregate classification (germline): Uncertain significance (1 of 4 stars; one submission).

Conditions:
Bethlem myopathy 1A. Also called: Bethlem myopathy 1; MYOPATHY, BENIGN CONGENITAL, WITH CONTRACTURES; Bethlem Muscular Dystrophy. Identifiers: Orphanet 610, MedGen CN029274, MONDO:0024530, OMIM 158810.

Allele frequency attached by ClinVar (database versions not stated): TOPMed 0.00002; gnomAD 0.00004 and 0.00005; gnomAD exomes 0.00001; ExAC 0.00002.
gnomAD v4.1: 19 of 1,614,104 alleles (0.0012%); highest among the groups gnomAD compares: South Asian, 0.0044%; no homozygotes.

Submission:

Labcorp Genetics (formerly Invitae), Labcorp
Classification: Uncertain significance for Bethlem myopathy 1A. Last evaluated: 2025-10-02. Review status: criteria provided, single submitter. Criteria: Invitae Variant Classification Sherloc (09022015). Collection method: clinical testing. Allele origin: germline.
Comment: This sequence change replaces asparagine, which is neutral and polar, with serine, which is neutral and polar, at codon 194 of the COL6A3 protein (p.Asn194Ser). This variant is present in population databases (rs771489087, gnomAD 0.002%). This variant has not been reported in the literature in individuals affected with COL6A3-related conditions. ClinVar contains an entry for this variant (Variation ID: 570053). Invitae Evidence Modeling of protein sequence and biophysical properties (such as structural, functional, and spatial information, amino acid conservation, physicochemical variation, residue mobility, and thermodynamic stability) indicates that this missense variant is not expected to disrupt COL6A3 protein function with a negative predictive value of 95%. In summary, the available evidence is currently insufficient to determine the role of this variant in disease. Therefore, it has been classified as a Variant of Uncertain Significance.